The following is an entry in ClinVar:

ClinVar aggregate classification (germline): Uncertain significance (1 of 4 stars; one submission).

Conditions:
Leigh syndrome (NULS). Also called: Leigh's necrotizing encephalopathy; Leigh's disease; Leigh Syndrome (mtDNA deletion); Leigh Disease; Subacute necrotizing encephalopathy; Necrotizing encephalopathy infantile subacute of Leigh. Identifiers: Orphanet 506, MedGen C2931891, MONDO:0009723, OMIM 256000.

Submission:

Wong Mito Lab, Molecular and Human Genetics, Baylor College of Medicine
Classification: Uncertain significance for Leigh syndrome. Last evaluated: 2019-10-17. Review status: criteria provided, single submitter. Criteria: Modified ACMG Guidelines (Unpublished). Collection method: clinical testing. Allele origin: germline.
Comment: The NC_012920.1:m.8481C>T (YP_003024030.1:p.Pro39Leu) variant in MTATP8 gene is interpretated to be a Uncertain Significance variant based on the modified ACMG guidelines (unpublished). This variant meets the following evidence codes: BS4

NC_012920.1(MT-ATP8):m.8481C>T

Gene: MT-ATP8 (mitochondrially encoded ATP synthase 8; plus strand).
Variant type: single nucleotide variant.
Genome position: chrM-8481-C-T.
Identifiers: ClinVar variation 692874 (VCV000692874.1), dbSNP rs1603221521, ClinGen allele CA414796287.